The following is an entry in ClinVar:

ClinVar aggregate classification (germline): Likely benign (1 of 4 stars; one submission).

Allele frequency attached by ClinVar (database versions not stated): ExAC 0.00007; gnomAD 0.00011; TOPMed 0.00014; 1000 Genomes Project 30x 0.00016; 1000 Genomes Project 0.00020; ESP Exome Variant Server 0.00024.
gnomAD v4.1: 47 of 1,614,072 alleles (0.0029%); highest among the groups gnomAD compares: African/African-American, 0.023%; no homozygotes.

Submission:

CeGaT Center for Human Genetics Tuebingen
Classification: Likely benign. Last evaluated: 2022-10-01. Review status: criteria provided, single submitter. Criteria: CeGaT Center For Human Genetics Tuebingen Variant Classification Criteria Version 2. Collection method: clinical testing. Allele origin: germline. Affected: yes. Observed: 1 variant allele.
Comment: CHERP: BP4, BP7

NM_006387.6(CHERP):c.2289G>A (p.Ser763=)

Genes: C19orf44 (chromosome 19 open reading frame 44; plus strand), CHERP (calcium homeostasis endoplasmic reticulum protein; minus strand). Cytogenetic location: 19p13.11.
Variant type: single nucleotide variant.
Coding change: c.2289G>A on transcript NM_006387.6 (MANE Select); coding-DNA position 2289, G replaced by A.
Protein change: p.Ser763=; no amino-acid change (serine 763 retained).
Molecular consequence: synonymous variant. On other transcripts: 3 prime UTR variant (1).
Genome position (GRCh38, 1-based): chr19:16,520,420, C>T on the plus strand (G>A on the coding strand, the complement: CHERP is on the minus strand). VCF-style: chr19-16520420-C-T. GRCh37 (hg19) VCF-style: chr19-16631231-C-T.
Other names: c.*367C>T (NM_032207.4).
Identifiers: ClinVar variation 2649511 (VCV002649511.24), dbSNP rs376321664, ClinGen allele CA9279379.
Genomic context (GRCh38, chr19:16,520,420, plus strand): 5'-CTACCTAGATCTGGAGCGGGAGTAGGAACGGGAGCAGGAGCGCGACCTTGACCTTGAGTA[C>T]GAGCCTGAAGACTTGGAGGATCTTGAGTTGGAGCGGGAGGAAGAACGCCCTCGACTCTTG-3'
Protein context (NP_006378.3, residues 753-773): SNSRSSKSSG[Ser763=]YSRSRSRSCS